The following is an entry in ClinVar:

ClinVar aggregate classification (germline): Benign (1 of 4 stars; one submission).

Allele frequency attached by ClinVar (database versions not stated): 1000 Genomes Project 30x 0.18894; 1000 Genomes Project 0.18950; TOPMed 0.21504; gnomAD 0.23271; gnomAD exomes 0.24532.
gnomAD v4.1: 35,605 of 153,076 alleles (23%); highest among the groups gnomAD compares: Non-Finnish European, 32%; 4,982 homozygotes.

Submission:

Unidad de Genómica Garrahan, Hospital de Pediatría Garrahan
Classification: Benign. Last evaluated: 2024-07-15. Review status: criteria provided, single submitter. Criteria: ACMG Guidelines, 2015. Collection method: clinical testing. Allele origin: germline. Affected: no. Observed: 32 variant alleles.
Comment: This variant is classified as Benign based on local population frequency. This variant was detected in 34% of patients studied in a panel designed for Epileptic and Developmental Encephalopathy and Progressive Myoclonus Epilepsy. Number of patients: 32. Only high quality variants are reported.

NM_015192.4(PLCB1):c.3423+1853G>A

Gene: PLCB1 (phospholipase C beta 1; plus strand). Cytogenetic location: 20p12.3.
Variant type: single nucleotide variant.
Coding change: c.3423+1853G>A on transcript NM_015192.4 (MANE Select); 1853 bases into the intron after coding-DNA position 3423, G replaced by A.
Molecular consequence: intron variant.
Genome position (GRCh38, 1-based): chr20:8,792,114, G>A. VCF-style: chr20-8792114-G-A. GRCh37 (hg19) VCF-style: chr20-8772761-G-A.
Other names: c.3423+1853G>A (NM_182734.3).
Identifiers: ClinVar variation 3255287 (VCV003255287.2), dbSNP rs6108191.